The following is an entry in ClinVar:

NM_000548.5(TSC2):c.1621C>G (p.Pro541Ala)

Gene: TSC2 (TSC complex subunit 2; plus strand). Cytogenetic location: 16p13.3.
Variant type: single nucleotide variant.
Coding change: c.1621C>G on transcript NM_000548.5 (MANE Select); coding-DNA position 1621, C replaced by G.
Protein change: p.Pro541Ala; replaces proline 541 with alanine.
Molecular consequence: missense variant.
Genome position (GRCh38, 1-based): chr16:2,065,540, C>G. VCF-style: chr16-2065540-C-G. GRCh37 (hg19) VCF-style: chr16-2115541-C-G.
Other names: c.1621C>G, p.Pro541Ala (NM_001077183.3, NM_001114382.3, NM_001363528.2 and 3 more transcripts); c.1510C>G, p.Pro504Ala (NM_001318827.2); c.1474C>G, p.Pro492Ala (NM_001318829.2); c.1021C>G, p.Pro341Ala (NM_001318831.2); c.1654C>G, p.Pro552Ala (NM_001318832.2); short protein forms P341A, P492A, P552A, P541A, P504A.
Identifiers: ClinVar variation 819678 (VCV000819678.14), dbSNP rs1596317209, ClinGen allele CA394267691.
Genomic context (GRCh38, chr16:2,065,540, plus strand): 5'-CCATGAGCCTGTGTGTAAGTCCTGGCCTTCTCTTCAAAGGTGATGGCCCGCTCCCTCTCC[C>G]CACCCCCGGAGCTGGAAGAAAGGGATGTGGCCGCATACTCGGCCTCCTTGGAGGATGTGA-3'
Protein context (NP_000539.2, residues 531-551): IEKVMARSLS[Pro541Ala]PPELEERDVA

ClinVar aggregate classification (germline): Uncertain significance. Review status: criteria provided, multiple submitters, no conflicts (2 of 4 stars). 4 submissions from 4 submitters: Uncertain significance (4). Last evaluated 2026-04-20.

Conditions:
Hereditary cancer-predisposing syndrome. Also called: Neoplastic Syndromes, Hereditary; Hereditary neoplastic syndrome; Hereditary Cancer Syndrome; Tumor predisposition. Identifiers: Orphanet 140162, MedGen C0027672, MeSH D009386, MONDO:0015356.
Tuberous sclerosis 2 (TSC2). Identifiers: Orphanet 805, MedGen C1860707, MONDO:0013199, OMIM 613254.
Tuberous sclerosis syndrome (TSC). Also called: Tuberous Sclerosis Complex; Tuberous sclerosis. Identifiers: Orphanet 805, MedGen C0041341, MONDO:0001734.

Allele frequency attached by ClinVar (database versions not stated): gnomAD exomes below 0.00001.
gnomAD v4.1: 1 of 1,613,784 alleles (0.000062%); highest among the groups gnomAD compares: Non-Finnish European, 0.000085%; no homozygotes.

Submissions (4):

Ambry Genetics
Classification: Uncertain significance for Hereditary cancer-predisposing syndrome. Last evaluated: 2026-04-20. Review status: criteria provided, single submitter. Criteria: Ambry Variant Classification Scheme 2023. Collection method: clinical testing. Allele origin: germline.

Quest Diagnostics Nichols Institute San Juan Capistrano
Classification: Uncertain significance. Last evaluated: 2025-09-12. Review status: criteria provided, single submitter. Criteria: Quest Diagnostics criteria. Collection method: clinical testing. Allele origin: unknown.

Labcorp Genetics (formerly Invitae), Labcorp
Classification: Uncertain significance for Tuberous sclerosis 2. Last evaluated: 2025-07-02. Review status: criteria provided, single submitter. Criteria: Invitae Variant Classification Sherloc (09022015). Collection method: clinical testing. Allele origin: germline.
Comment: This sequence change replaces proline, which is neutral and non-polar, with alanine, which is neutral and non-polar, at codon 541 of the TSC2 protein (p.Pro541Ala). This variant is not present in population databases (gnomAD no frequency). This variant has not been reported in the literature in individuals affected with TSC2-related conditions. ClinVar contains an entry for this variant (Variation ID: 819678). Invitae Evidence Modeling of protein sequence and biophysical properties (such as structural, functional, and spatial information, amino acid conservation, physicochemical variation, residue mobility, and thermodynamic stability) indicates that this missense variant is not expected to disrupt TSC2 protein function with a negative predictive value of 95%. In summary, the available evidence is currently insufficient to determine the role of this variant in disease. Therefore, it has been classified as a Variant of Uncertain Significance.

All of Us Research Program, National Institutes of Health
Classification: Uncertain significance for Tuberous sclerosis syndrome. Last evaluated: 2023-04-27. Review status: criteria provided, single submitter. Criteria: ACMG Guidelines, 2015. Collection method: clinical testing. Allele origin: germline. Inheritance: Autosomal dominant inheritance. Observed: 1 variant allele, 1 heterozygote.
Comment: This missense variant replaces proline with alanine at codon 541 of the TSC2 protein. Computational prediction suggests that this variant may not impact protein structure and function (internally defined REVEL score threshold <= 0.5, PMID: 27666373). To our knowledge, functional studies have not been reported for this variant. This variant has not been reported in individuals affected with tuberous sclerosis complex in the literature. This variant has not been identified in the general population by the Genome Aggregation Database (gnomAD). The available evidence is insufficient to determine the role of this variant in disease conclusively. Therefore, this variant is classified as a Variant of Uncertain Significance.

This study involves interpretation of variants in research participants for the purpose of population health screening. Participant phenotype was not available at the time of variant classification. Additional details can be found in publication PMID: 35346344, PMCID: PMC8962531